The following is an entry in ClinVar:

ClinVar aggregate classification (germline): Benign/Likely benign. Review status: criteria provided, multiple submitters, no conflicts (2 of 4 stars). 6 submissions from 6 submitters: Benign (1); Likely benign (5). Last evaluated 2025-12-16.

Conditions:
Renal cell carcinoma. Identifiers: Orphanet 217071, MedGen C0007134, MeSH D002292, MONDO:0005086, HP:0005584.
Hereditary cancer-predisposing syndrome. Also called: Hereditary neoplastic syndrome; Neoplastic Syndromes, Hereditary; Tumor predisposition; Hereditary Cancer Syndrome. Identifiers: Orphanet 140162, MedGen C0027672, MeSH D009386, MONDO:0015356.
Papillary renal cell carcinoma type 1 (RCCP1). Also called: RENAL CELL CARCINOMA, PAPILLARY, 1, SOMATIC; Renal adenocarcinoma; Renal cell carcinoma 1; Renal cell carcinoma, somatic. Identifiers: Orphanet 47044, MedGen C1336839, OMIM 605074, HP:0011797.

Allele frequency attached by ClinVar (database versions not stated): gnomAD exomes 0.00001; gnomAD 0.00002 and 0.00004; TOPMed 0.00002; ExAC 0.00003; 1000 Genomes Project 0.00060; 1000 Genomes Project 30x 0.00078.
gnomAD v4.1: 16 of 1,613,772 alleles (0.00099%); highest among the groups gnomAD compares: Admixed American, 0.005%; no homozygotes.

Submissions (6):

Labcorp Genetics (formerly Invitae), Labcorp
Classification: Likely benign for Renal cell carcinoma. Last evaluated: 2025-12-16. Review status: criteria provided, single submitter. Criteria: Invitae Variant Classification Sherloc (09022015). Collection method: clinical testing. Allele origin: germline.

Myriad Genetics, Inc.
Classification: Benign for Papillary renal cell carcinoma type 1. Last evaluated: 2024-11-11. Review status: criteria provided, single submitter. Criteria: Myriad Autosomal Dominant, Autosomal Recessive and X-Linked Classification Criteria (2023). Collection method: clinical testing. Allele origin: unknown.
Comment: This variant is considered benign. This variant is a silent/synonymous amino acid change and it is not expected to impact splicing.

Sema4
Classification: Likely benign for Hereditary cancer-predisposing syndrome. Last evaluated: 2021-12-21. Review status: criteria provided, single submitter. Criteria: Sema4 Curation Guidelines. Collection method: curation. Allele origin: germline.

Ambry Genetics
Classification: Likely benign for Hereditary cancer-predisposing syndrome. Last evaluated: 2021-08-27. Review status: criteria provided, single submitter. Criteria: Ambry Variant Classification Scheme 2023. Collection method: clinical testing. Allele origin: germline.

GeneDx
Classification: Likely benign. Last evaluated: 2017-12-19. Review status: criteria provided, single submitter. Criteria: GeneDx Variant Classification (06012015). Collection method: clinical testing. Allele origin: germline. Affected: yes.
Comment: This variant is considered likely benign or benign based on one or more of the following criteria: it is a conservative change, it occurs at a poorly conserved position in the protein, it is predicted to be benign by multiple in silico algorithms, and/or has population frequency not consistent with disease.

PreventionGenetics, part of Exact Sciences
Classification: Likely benign. Review status: criteria provided, single submitter. Criteria: ACMG Guidelines, 2015. Collection method: clinical testing. Allele origin: germline.

NM_000245.4(MET):c.2319G>A (p.Pro773=)

Gene: MET (MET proto-oncogene, receptor tyrosine kinase; plus strand). Cytogenetic location: 7q31.2.
Variant type: single nucleotide variant.
Coding change: c.2319G>A on transcript NM_000245.4 (MANE Select); coding-DNA position 2319, G replaced by A.
Protein change: p.Pro773=; no amino-acid change (proline 773 retained).
Molecular consequence: synonymous variant.
Genome position (GRCh38, 1-based): chr7:116,759,445, G>A. VCF-style: chr7-116759445-G-A. GRCh37 (hg19) VCF-style: chr7-116399499-G-A.
Other names: c.2373G>A, p.Pro791= (NM_001127500.3); c.2319G>A, p.Pro773= (NM_001324401.3); c.1029G>A, p.Pro343= (NM_001324402.2).
Identifiers: ClinVar variation 246630 (VCV000246630.16), dbSNP rs141733128, ClinGen allele CA4448451.
Genomic context (GRCh38, chr7:116,759,445, plus strand): 5'-TGCCAGTGGTGGGAGCACAATAACAGGTGTTGGGAAAAACCTGAATTCAGTTAGTGTCCC[G>A]AGAATGGTCATAAATGTGCATGAAGCAGGAAGGAACTTTACAGTGGTAAGTCCTTTGAGC-3'
Protein context (NP_000236.2, residues 763-783): VGKNLNSVSV[Pro773=]RMVINVHEAG